The following is an entry in ClinVar:

ClinVar aggregate classification (germline): Uncertain significance (1 of 4 stars; one submission).

Conditions:
Perlman syndrome (PRLMNS). Identifiers: Orphanet 2849, MedGen C0796113, MONDO:0009965, OMIM 267000.

Allele frequency attached by ClinVar (database versions not stated): gnomAD 0.00001; 1000 Genomes Project 30x 0.00016.
gnomAD v4.1: 1 of 1,613,786 alleles (0.000062%); highest among the groups gnomAD compares: South Asian, 0.0011%; no homozygotes.

Submission:

Labcorp Genetics (formerly Invitae), Labcorp
Classification: Uncertain significance for Perlman syndrome. Last evaluated: 2023-03-31. Review status: criteria provided, single submitter. Criteria: Invitae Variant Classification Sherloc (09022015). Collection method: clinical testing. Allele origin: germline.
Comment: This sequence change replaces proline, which is neutral and non-polar, with leucine, which is neutral and non-polar, at codon 270 of the DIS3L2 protein (p.Pro270Leu). This variant is not present in population databases (gnomAD no frequency). This variant has not been reported in the literature in individuals affected with DIS3L2-related conditions. ClinVar contains an entry for this variant (Variation ID: 2133891). Advanced modeling of protein sequence and biophysical properties (such as structural, functional, and spatial information, amino acid conservation, physicochemical variation, residue mobility, and thermodynamic stability) has been performed at Invitae for this missense variant, however the output from this modeling did not meet the statistical confidence thresholds required to predict the impact of this variant on DIS3L2 protein function. In summary, the available evidence is currently insufficient to determine the role of this variant in disease. Therefore, it has been classified as a Variant of Uncertain Significance.

NM_152383.5(DIS3L2):c.809C>T (p.Pro270Leu)

Gene: DIS3L2 (DIS3 like 3'-5' exoribonuclease 2; plus strand). Cytogenetic location: 2q37.1.
Variant type: single nucleotide variant.
Coding change: c.809C>T on transcript NM_152383.5 (MANE Select); coding-DNA position 809, C replaced by T.
Protein change: p.Pro270Leu; replaces proline 270 with leucine.
Molecular consequence: missense variant. On other transcripts: non-coding transcript variant (1).
Genome position (GRCh38, 1-based): chr2:232,136,578, C>T. VCF-style: chr2-232136578-C-T. GRCh37 (hg19) VCF-style: chr2-233001288-C-T.
Other names: c.809C>T, p.Pro270Leu (NM_001257281.2); short protein forms P270L.
Identifiers: ClinVar variation 2133891 (VCV002133891.4), dbSNP rs2106355436, ClinGen allele CA351153639.